The following is an entry in ClinVar:

NM_018129.4(PNPO):c.748G>A (p.Gly250Arg)

Gene: PNPO (pyridoxamine 5'-phosphate oxidase; plus strand). Cytogenetic location: 17q21.32.
Variant type: single nucleotide variant.
Coding change: c.748G>A on transcript NM_018129.4 (MANE Select); coding-DNA position 748, G replaced by A.
Protein change: p.Gly250Arg; replaces glycine 250 with arginine.
Molecular consequence: missense variant.
Genome position (GRCh38, 1-based): chr17:47,946,744, G>A. VCF-style: chr17-47946744-G-A. GRCh37 (hg19) VCF-style: chr17-46024110-G-A.
Other names: short protein forms G250R.
Identifiers: ClinVar variation 859039 (VCV000859039.32), dbSNP rs751372839, ClinGen allele CA8629274.
Genomic context (GRCh38, chr17:47,946,744, plus strand): 5'-ATAGTCTTTCGGCGGGGCCTACCCACAGGAGATTCCCCTTTGGGGCCCATGACCCACCGC[G>A]GGGAGGAAGACTGGCTCTATGAGAGACTTGCACCTTAACTCTGGGACCTGCTGGCCCAGA-3'
Protein context (NP_060599.1, residues 240-260): DSPLGPMTHR[Gly250Arg]EEDWLYERLA

ClinVar aggregate classification (germline): Uncertain significance. Review status: criteria provided, multiple submitters, no conflicts (2 of 4 stars). 2 submissions from 2 submitters: Uncertain significance (2). Last evaluated 2025-01-20.

Conditions:
Pyridoxal phosphate-responsive seizures (PNPOD). Also called: Pyridoxine-5'-phosphate oxidase deficiency; SEIZURES, PYRIDOXINE-RESISTANT, PLP-SENSITIVE; Pyridoxamine 5-Prime-Phosphate Oxidase Deficiency; EPILEPTIC ENCEPHALOPATHY, NEONATAL, PNPO-RELATED; Pyridoxal 5'-Phosphate (PLP)-Dependent Epilepsy. Identifiers: Orphanet 79096, MedGen C1864723, MONDO:0012407, OMIM 610090. Disease mechanism: loss of function.

Allele frequency attached by ClinVar (database versions not stated): ExAC 0.00002; gnomAD exomes 0.00002; TOPMed 0.00003.
gnomAD v4.1: 44 of 1,614,036 alleles (0.0027%); highest among the groups gnomAD compares: Admixed American, 0.012%; no homozygotes.

Submissions (2):

Labcorp Genetics (formerly Invitae), Labcorp
Classification: Uncertain significance for Pyridoxal phosphate-responsive seizures. Last evaluated: 2025-01-20. Review status: criteria provided, single submitter. Criteria: Invitae Variant Classification Sherloc (09022015). Collection method: clinical testing. Allele origin: germline.
Comment: This sequence change replaces glycine, which is neutral and non-polar, with arginine, which is basic and polar, at codon 250 of the PNPO protein (p.Gly250Arg). This variant is present in population databases (rs751372839, gnomAD 0.009%). This missense change has been observed in individual(s) with clinical features of PNPO-related conditions (internal data). ClinVar contains an entry for this variant (Variation ID: 859039). An algorithm developed to predict the effect of missense changes on protein structure and function (PolyPhen-2) suggests that this variant is likely to be disruptive. In summary, the available evidence is currently insufficient to determine the role of this variant in disease. Therefore, it has been classified as a Variant of Uncertain Significance.

CeGaT Center for Human Genetics Tuebingen
Classification: Uncertain significance. Last evaluated: 2023-10-01. Review status: criteria provided, single submitter. Criteria: CeGaT Center For Human Genetics Tuebingen Variant Classification Criteria Version 2. Collection method: clinical testing. Allele origin: germline. Affected: yes. Observed: 1 variant allele.
Comment: PNPO: PM2